The following is an entry in ClinVar:

NM_206933.4(USH2A):c.11724_11725del (p.Gly3908_Ile3909insTer)

Gene: USH2A (usherin; minus strand). Cytogenetic location: 1q41.
Variant type: Deletion.
Coding change: c.11724_11725del on transcript NM_206933.4 (MANE Select); coding-DNA positions 11724 to 11725, 2 bases deleted (CA; older notation c.11724_11725delCA).
Protein change: p.Gly3908_Ile3909insTer.
Molecular consequence: frameshift variant.
Genome position (GRCh38, 1-based): chr1:215,728,371-215,728,372, TG deleted on the plus strand (CA on the coding strand, the reverse complement: USH2A is on the minus strand). VCF-style (leftmost placement, unchanged base first): chr1-215728370-ATG-A. GRCh37 (hg19) VCF-style: chr1-215901712-ATG-A.
Identifiers: ClinVar variation 937820 (VCV000937820.7), dbSNP rs1659895310, ClinGen allele CA1139656581.

ClinVar aggregate classification (germline): Pathogenic (1 of 4 stars; one submission).

Submission:

Labcorp Genetics (formerly Invitae), Labcorp
Classification: Pathogenic. Last evaluated: 2019-07-01. Review status: criteria provided, single submitter. Criteria: Invitae Variant Classification Sherloc (09022015). Collection method: clinical testing. Allele origin: germline.
Comment: For these reasons, this variant has been classified as Pathogenic. Loss-of-function variants in USH2A are known to be pathogenic (PMID: 10729113, 10909849, 20507924, 25649381). This variant has not been reported in the literature in individuals with USH2A-related conditions. This variant is not present in population databases (ExAC no frequency). This sequence change creates a premature translational stop signal (p.Ile3909*) in the USH2A gene. It is expected to result in an absent or disrupted protein product.

Literature cited by the submitters: PubMed 10729113; PubMed 10909849; PubMed 20507924; PubMed 25649381.